The following is an entry in ClinVar:

ClinVar aggregate classification (germline): Uncertain significance. Review status: criteria provided, multiple submitters, no conflicts (2 of 4 stars). 3 submissions from 3 submitters: Uncertain significance (3). Last evaluated 2024-12-04.

Conditions:
Cataract 22 multiple types. Also called: CATARACT 22, NUCLEAR, AUTOSOMAL RECESSIVE; CATARACT 22, MULTIPLE TYPES, AUTOSOMAL DOMINANT; Cataract 22. Identifiers: Orphanet 91492, MedGen C1857853, MONDO:0012336, OMIM 609741.
Inborn genetic diseases. Identifiers: MedGen C0950123, MeSH D030342.

Allele frequency attached by ClinVar (database versions not stated): gnomAD 0.00015 and 0.00016; gnomAD exomes 0.00022 and 0.00028; ESP Exome Variant Server 0.00023; TOPMed 0.00023; ExAC 0.00027.
gnomAD v4.1: 428 of 1,613,580 alleles (0.027%); highest among the groups gnomAD compares: Non-Finnish European, 0.033%; no homozygotes.

Submissions (3):

Ambry Genetics
Classification: Uncertain significance for Inborn genetic diseases. Last evaluated: 2024-12-04. Review status: criteria provided, single submitter. Criteria: Ambry Variant Classification Scheme 2023. Collection method: clinical testing. Allele origin: germline.

Labcorp Genetics (formerly Invitae), Labcorp
Classification: Uncertain significance for Cataract 22 multiple types. Last evaluated: 2024-04-06. Review status: criteria provided, single submitter. Criteria: Invitae Variant Classification Sherloc (09022015). Collection method: clinical testing. Allele origin: germline.
Comment: This sequence change replaces lysine, which is basic and polar, with asparagine, which is neutral and polar, at codon 201 of the CRYBB3 protein (p.Lys201Asn). This variant is present in population databases (rs142897070, gnomAD 0.03%). This variant has not been reported in the literature in individuals affected with CRYBB3-related conditions. ClinVar contains an entry for this variant (Variation ID: 340958). An algorithm developed to predict the effect of missense changes on protein structure and function (PolyPhen-2) suggests that this variant is likely to be tolerated. In summary, the available evidence is currently insufficient to determine the role of this variant in disease. Therefore, it has been classified as a Variant of Uncertain Significance.

Illumina Laboratory Services, Illumina
Classification: Uncertain significance for Cataract 22 multiple types. Last evaluated: 2018-01-13. Review status: criteria provided, single submitter. Criteria: ICSL Variant Classification Criteria 13 December 2019. Collection method: clinical testing. Allele origin: germline.

NM_004076.5(CRYBB3):c.603G>T (p.Lys201Asn)

Gene: CRYBB3 (crystallin beta B3; plus strand). Cytogenetic location: 22q11.23.
Variant type: single nucleotide variant.
Coding change: c.603G>T on transcript NM_004076.5 (MANE Select); coding-DNA position 603, G replaced by T.
Protein change: p.Lys201Asn; replaces lysine 201 with asparagine.
Molecular consequence: missense variant.
Genome position (GRCh38, 1-based): chr22:25,207,179, G>T. VCF-style: chr22-25207179-G-T. GRCh37 (hg19) VCF-style: chr22-25603146-G-T.
Other names: c.603G>T (NM_004076.3); short protein forms K201N.
Identifiers: ClinVar variation 340958 (VCV000340958.12), dbSNP rs142897070, ClinGen allele CA10157864.